The following is an entry in ClinVar:

NM_003355.3(UCP2):c.175T>G (p.Tyr59Asp)

Gene: UCP2 (uncoupling protein 2; minus strand). Cytogenetic location: 11q13.4.
Variant type: single nucleotide variant.
Coding change: c.175T>G on transcript NM_003355.3 (MANE Select); coding-DNA position 175, T replaced by G.
Protein change: p.Tyr59Asp; replaces tyrosine 59 with aspartic acid.
Molecular consequence: missense variant.
Genome position (GRCh38, 1-based): chr11:73,978,048, A>C on the plus strand (T>G on the coding strand, the complement: UCP2 is on the minus strand). VCF-style: chr11-73978048-A-C. GRCh37 (hg19) VCF-style: chr11-73689093-A-C.
Other names: c.175T>G, p.Tyr59Asp (NM_001381943.1, NM_001381944.1, NM_001381945.1 and 4 more transcripts); short protein forms Y59D.
Identifiers: ClinVar variation 4985868 (VCV004985868.1).

ClinVar aggregate classification (germline): Uncertain significance (1 of 4 stars; one submission).

Conditions:
UCP2-related disorder. Also called: UCP2-related condition.

gnomAD v4.1: 3 of 1,614,200 alleles (0.00019%); highest among the groups gnomAD compares: Admixed American, 0.005%; no homozygotes.

Submission:

PreventionGenetics, part of Exact Sciences
Classification: Uncertain significance for UCP2-related condition. Last evaluated: 2025-08-22. Review status: criteria provided, single submitter. Criteria: ACMG Guidelines, 2015. Collection method: clinical testing. Allele origin: germline.
Comment: The UCP2 c.175T>G variant is predicted to result in the amino acid substitution p.Tyr59Asp. To our knowledge, this variant has not been reported in the literature. This variant is reported in 0.0058% of alleles in individuals of Latino descent in gnomAD. At this time, the clinical significance of this variant is uncertain due to the absence of conclusive functional and genetic evidence.